The following is an entry in ClinVar:

NM_001039570.3(KREMEN1):c.1080T>A (p.Tyr360Ter)

Gene: KREMEN1 (kringle containing transmembrane protein 1; plus strand). Cytogenetic location: 22q12.1.
Variant type: single nucleotide variant.
Coding change: c.1080T>A on transcript NM_001039570.3 (MANE Select); coding-DNA position 1080, T replaced by A.
Protein change: p.Tyr360Ter; replaces tyrosine 360 with a stop codon.
Molecular consequence: nonsense.
Genome position (GRCh38, 1-based): chr22:29,138,739, T>A. VCF-style: chr22-29138739-T-A. GRCh37 (hg19) VCF-style: chr22-29534727-T-A.
Other names: c.1080T>A, p.Tyr360Ter (NM_032045.5); short protein forms Y360*.
Identifiers: ClinVar variation 3643462 (VCV003643462.2).

ClinVar aggregate classification (germline): Uncertain significance (1 of 4 stars; one submission).

Submission:

Labcorp Genetics (formerly Invitae), Labcorp
Classification: Uncertain significance. Last evaluated: 2024-02-27. Review status: criteria provided, single submitter. Criteria: Invitae Variant Classification Sherloc (09022015). Collection method: clinical testing. Allele origin: germline.
Comment: This sequence change creates a premature translational stop signal (p.Tyr360*) in the KREMEN1 gene. It is expected to result in an absent or disrupted protein product. However, the current clinical and genetic evidence is not sufficient to establish whether loss-of-function variants in KREMEN1 cause disease. This variant is not present in population databases (gnomAD no frequency). This variant has not been reported in the literature in individuals affected with KREMEN1-related conditions. In summary, the available evidence is currently insufficient to determine the role of this variant in disease. Therefore, it has been classified as a Variant of Uncertain Significance.